The following is an entry in ClinVar:

ClinVar aggregate classification (germline): Uncertain significance (1 of 4 stars; one submission).

Conditions:
Neuropathy, hereditary sensory and autonomic, type 1C. Also called: HSAN IC; HSN IC. Identifiers: Orphanet 36386, MedGen C3150896, MONDO:0013337, OMIM 613640.

gnomAD v4.1: 1 of 1,614,196 alleles (0.000062%); highest among the groups gnomAD compares: Non-Finnish European, 0.000085%; no homozygotes.

Submission:

Juno Genomics, Hangzhou Juno Genomics, Inc
Classification: Uncertain significance for Neuropathy, hereditary sensory and autonomic, type 1C. Review status: criteria provided, single submitter. Criteria: ACMG Guidelines, 2015. Collection method: clinical testing. Allele origin: germline.
Comment: Absent from controls (or at extremely low frequency if recessive) in Genome Aggregation Database.;Multiple lines of computational evidence support a deleterious effect on the gene or gene product.

NM_004863.4(SPTLC2):c.1025A>G (p.Tyr342Cys)

Gene: SPTLC2 (serine palmitoyltransferase long chain base subunit 2; minus strand). Cytogenetic location: 14q24.3.
Variant type: single nucleotide variant.
Coding change: c.1025A>G on transcript NM_004863.4 (MANE Select); coding-DNA position 1025, A replaced by G.
Protein change: p.Tyr342Cys; replaces tyrosine 342 with cysteine.
Molecular consequence: missense variant.
Genome position (GRCh38, 1-based): chr14:77,555,451, T>C on the plus strand (A>G on the coding strand, the complement: SPTLC2 is on the minus strand). VCF-style: chr14-77555451-T-C. GRCh37 (hg19) VCF-style: chr14-78021794-T-C.
Other names: short protein forms Y342C.
Identifiers: ClinVar variation 5005353 (VCV005005353.2).